The following is an entry in ClinVar:

NM_001130009.3(GEN1):c.111G>C (p.Glu37Asp)

Gene: GEN1 (GEN1 structure-specific endonuclease; plus strand). Cytogenetic location: 2p24.2.
Variant type: single nucleotide variant.
Coding change: c.111G>C on transcript NM_001130009.3 (MANE Select); coding-DNA position 111, G replaced by C.
Protein change: p.Glu37Asp; replaces glutamic acid 37 with aspartic acid.
Molecular consequence: missense variant.
Genome position (GRCh38, 1-based): chr2:17,760,054, G>C. VCF-style: chr2-17760054-G-C. GRCh37 (hg19) VCF-style: chr2-17941321-G-C.
Other names: c.111G>C, p.Glu37Asp (NM_182625.5); short protein forms E37D.
Identifiers: ClinVar variation 4671471 (VCV004671471.1).

ClinVar aggregate classification (germline): Uncertain significance (1 of 4 stars; one submission).

Submission:

Ambry Genetics
Classification: Uncertain significance. Last evaluated: 2025-10-15. Review status: criteria provided, single submitter. Criteria: Ambry Variant Classification Scheme 2023. Collection method: clinical testing. Allele origin: germline.
Comment: The p.E37D variant (also known as c.111G>C), located in coding exon 1 of the GEN1 gene, results from a G to C substitution at nucleotide position 111. The glutamic acid at codon 37 is replaced by aspartic acid, an amino acid with highly similar properties. This amino acid position is conserved. In addition, the in silico prediction for this alteration is inconclusive. Based on the available evidence, the clinical significance of this variant remains unclear.